The following is an entry in ClinVar:

ClinVar aggregate classification (germline): Uncertain significance (1 of 4 stars; one submission).

Submission:

Ambry Genetics
Classification: Uncertain significance. Last evaluated: 2025-06-30. Review status: criteria provided, single submitter. Criteria: Ambry Variant Classification Scheme 2023. Collection method: clinical testing. Allele origin: germline.
Comment: The p.L541P variant (also known as c.1622T>C), located in coding exon 4 of the TMPO gene, results from a T to C substitution at nucleotide position 1622. The leucine at codon 541 is replaced by proline, an amino acid with similar properties. This amino acid position is conserved. In addition, the in silico prediction for this alteration is inconclusive. Since supporting evidence is limited at this time, the clinical significance of this alteration remains unclear.

NM_001032283.3(TMPO):c.565+2041T>C

Gene: TMPO (thymopoietin; plus strand). Cytogenetic location: 12q23.1.
Variant type: single nucleotide variant.
Coding change: c.565+2041T>C on transcript NM_001032283.3 (MANE Select); 2041 bases into the intron after coding-DNA position 565, T replaced by C.
Molecular consequence: intron variant. On other transcripts: missense variant (1).
Genome position (GRCh38, 1-based): chr12:98,533,879, T>C. VCF-style: chr12-98533879-T-C. GRCh37 (hg19) VCF-style: chr12-98927657-T-C.
Other names: c.1622T>C, p.Leu541Pro (NM_003276.2); c.565+2041T>C (NM_001307975.2, NM_001032284.3); short protein forms L541P.
Identifiers: ClinVar variation 1776635 (VCV001776635.3), dbSNP rs2548504520, ClinGen allele CA386153592.